The following is an entry in ClinVar:

ClinVar aggregate classification (germline): Benign/Likely benign. Review status: criteria provided, multiple submitters, no conflicts (2 of 4 stars). 11 submissions from 11 submitters: Benign (4); Likely benign (5). 2 of the submissions do not count toward it. Last evaluated 2026-06-01.

Conditions:
Malignant hyperthermia, susceptibility to, 1 (MHS1). Also called: Anesthesia related hyperthermia; Malignant hyperpyrexia; Fulminating hyperpyrexia; Pharmacogenic myopathy; RYR1-Related Malignant Hyperthermia Susceptibility; Malignant hyperthermia suceptibility 1. Identifiers: Orphanet 423, MedGen C2930980, MONDO:0007783, OMIM 145600.
King Denborough syndrome (KDS). Identifiers: MedGen C1840365, MONDO:0020485, OMIM 619542.
Congenital multicore myopathy with external ophthalmoplegia (CMYO1B). Also called: MULTIMINICORE DISEASE WITH EXTERNAL OPHTHALMOPLEGIA; MULTICORE MYOPATHY; Minicore myopathy with external ophthalmoplegia; Congenital myopathy 1B, autosomal recessive; Minicore myopathy. Identifiers: Orphanet 598, Orphanet 98905, MedGen C1850674, MONDO:0009712, OMIM 255320, HP:0003789.
Central core myopathy (CMYO1A). Also called: CONGENITAL MYOPATHY 1A, AUTOSOMAL DOMINANT, WITH SUSCEPTIBILITY TO MALIGNANT HYPERTHERMIA; Central core disease; Myopathy, central fibrillar. Identifiers: Orphanet 597, MedGen C5830701, MONDO:0007294, OMIM 117000.
Congenital myopathy with fiber type disproportion. Also called: Congenital fiber-type disproportion; Congenital fiber-type disproportion myopathy. Identifiers: Orphanet 2020, MedGen C0546264, MONDO:0009711. Inheritance: all.
RYR1-related disorder. Also called: RYR1-related disorders; RYR1-related condition. Identifiers: MedGen CN239331.

Allele frequency attached by ClinVar (database versions not stated): ExAC 0.00094; 1000 Genomes Project 30x 0.00312; 1000 Genomes Project 0.00339; ESP Exome Variant Server 0.00361; gnomAD 0.00369 and 0.00404; TOPMed 0.00400.
gnomAD v4.1: 1,106 of 1,614,116 alleles (0.069%); highest among the groups gnomAD compares: African/African-American, 1.3%; 5 homozygotes.

Submissions (11):

CeGaT Center for Human Genetics Tuebingen
Classification: Likely benign. Last evaluated: 2026-06-01. Review status: criteria provided, single submitter. Criteria: CeGaT Center For Human Genetics Tuebingen Variant Classification Criteria Version 2. Collection method: clinical testing. Allele origin: germline. Affected: yes. Observed: 1 variant allele.
Comment: RYR1: BP4, BP7, BS1

Labcorp Genetics (formerly Invitae), Labcorp
Classification: Benign for RYR1-related disorder. Last evaluated: 2026-01-28. Review status: criteria provided, single submitter. Criteria: Invitae Variant Classification Sherloc (09022015). Collection method: clinical testing. Allele origin: germline.

Mayo Clinic Laboratories, Mayo Clinic
Classification: Likely benign. Last evaluated: 2025-05-16. Review status: criteria provided, single submitter. Criteria: ACMG Guidelines, 2015. Collection method: clinical testing. Allele origin: germline. Observed: 7 variant alleles.
Comment: BS1, BP4, BP7

Blueprint Genetics
Classification: Likely benign. Last evaluated: 2024-10-18. Review status: criteria provided, single submitter. Criteria: ACMG Guidelines, 2015. Collection method: clinical testing. Allele origin: germline.

All of Us Research Program, National Institutes of Health
Classification: Benign for Malignant hyperthermia, susceptibility to, 1. Last evaluated: 2024-02-05. Review status: criteria provided, single submitter. Criteria: ACMG Guidelines, 2015. Collection method: clinical testing. Allele origin: germline. Inheritance: Autosomal dominant inheritance. Observed: 217 variant alleles, 215 heterozygotes, 2 homozygotes.
Comment: This study involves interpretation of variants in research participants for the purpose of population health screening. Participant phenotype was not available at the time of variant classification. Additional details can be found in publication PMID: 35346344, PMCID: PMC8962531

Color Diagnostics, LLC DBA Color Health
Classification: Benign for Malignant hyperthermia, susceptibility to, 1. Last evaluated: 2022-05-04. Review status: criteria provided, single submitter. Criteria: ACMG Guidelines, 2015. Collection method: clinical testing. Allele origin: germline.

Fulgent Genetics
Classification: Likely benign for Central core myopathy; Malignant hyperthermia, susceptibility to, 1; Congenital myopathy 4A, autosomal dominant; Congenital multicore myopathy with external ophthalmoplegia; King Denborough syndrome. Last evaluated: 2021-08-09. Review status: criteria provided, single submitter. Criteria: ACMG Guidelines, 2015. Collection method: clinical testing. Allele origin: unknown.

GeneDx
Classification: Likely benign. Last evaluated: 2020-12-07. Review status: criteria provided, single submitter. Criteria: GeneDx Variant Classification Process June 2021. Collection method: clinical testing. Allele origin: germline. Affected: yes.

PreventionGenetics, part of Exact Sciences
Classification: Benign. Last evaluated: 2016-04-20. Review status: criteria provided, single submitter. Criteria: ACMG Guidelines, 2015. Collection method: clinical testing. Allele origin: germline.

Genome Diagnostics Laboratory, University Medical Center Utrecht
Classification: Benign. Review status: no assertion criteria provided. Collection method: clinical testing. Allele origin: germline. Affected: yes. Study: VKGL Data-share Consensus. Not counted in ClinVar's aggregate classification.

Laboratory of Diagnostic Genome Analysis, Leiden University Medical Center (LUMC)
Classification: Likely benign. Review status: no assertion criteria provided. Collection method: clinical testing. Allele origin: germline. Affected: yes. Study: VKGL Data-share Consensus. Not counted in ClinVar's aggregate classification.

NM_000540.3(RYR1):c.1923C>G (p.Thr641=)

Gene: RYR1 (ryanodine receptor 1; plus strand). Cytogenetic location: 19q13.2.
Variant type: single nucleotide variant.
Coding change: c.1923C>G on transcript NM_000540.3 (MANE Select); coding-DNA position 1923, C replaced by G.
Protein change: p.Thr641=; no amino-acid change (threonine 641 retained).
Molecular consequence: synonymous variant.
Genome position (GRCh38, 1-based): chr19:38,457,628, C>G. VCF-style: chr19-38457628-C-G. GRCh37 (hg19) VCF-style: chr19-38948268-C-G.
Other names: p.Thr641=; c.1923C>G, p.Thr641= (NM_001042723.2).
Identifiers: ClinVar variation 256465 (VCV000256465.26), dbSNP rs116591968, ClinGen allele CA062584.